The following is an entry in ClinVar:

NM_012108.4(STAP1):c.271A>C (p.Thr91Pro)

Genes: STAP1 (signal transducing adaptor family member 1; plus strand), LOC123477751 (Sharpr-MPRA regulatory region 12077; plus strand). Cytogenetic location: 4q13.2.
Variant type: single nucleotide variant.
Coding change: c.271A>C on transcript NM_012108.4 (MANE Select); coding-DNA position 271, A replaced by C.
Protein change: p.Thr91Pro; replaces threonine 91 with proline.
Molecular consequence: missense variant.
Genome position (GRCh38, 1-based): chr4:67,575,463, A>C. VCF-style: chr4-67575463-A-C. GRCh37 (hg19) VCF-style: chr4-68441181-A-C.
Other names: c.271A>C, p.Thr91Pro (NM_001317769.2); short protein forms T91P.
Identifiers: ClinVar variation 3226191 (VCV003226191.1), dbSNP rs763002560, ClinGen allele CA2937496.

ClinVar aggregate classification (germline): Uncertain significance (1 of 4 stars; one submission).

Allele frequency attached by ClinVar (database versions not stated): gnomAD exomes 0.00001; ExAC 0.00002.
gnomAD v4.1: 13 of 1,611,530 alleles (0.00081%); highest among the groups gnomAD compares: Non-Finnish European, 0.0011%; no homozygotes.

Submission:

Ambry Genetics
Classification: Uncertain significance. Last evaluated: 2023-10-01. Review status: criteria provided, single submitter. Criteria: Ambry Variant Classification Scheme 2023. Collection method: clinical testing. Allele origin: germline.
Comment: The p.T91P variant (also known as c.271A>C), located in coding exon 3 of the STAP1 gene, results from an A to C substitution at nucleotide position 271. The threonine at codon 91 is replaced by proline, an amino acid with highly similar properties. This amino acid position is conserved. In addition, the in silico prediction for this alteration is inconclusive. Since supporting evidence is limited at this time, the clinical significance of this alteration remains unclear.